The following is an entry in ClinVar:

ClinVar aggregate classification (germline): Uncertain significance (1 of 4 stars; one submission).

Conditions:
Congenital primary aphakia. Also called: Anterior segment dysgenesis 2, multiple subtypes; ANTERIOR SEGMENT DYSGENESIS 2. Identifiers: Orphanet 83461, MedGen C1853230, MONDO:0012456, OMIM 610256.
Anterior segment dysgenesis. Also called: Ocular anterior segment dysgenesis. Identifiers: Orphanet 88632, MedGen C1862839, MONDO:0019503, HP:0007700.

Allele frequency attached by ClinVar (database versions not stated): gnomAD exomes below 0.00001.

Submission:

Labcorp Genetics (formerly Invitae), Labcorp
Classification: Uncertain significance for Anterior segment dysgenesis; Congenital primary aphakia. Last evaluated: 2019-08-04. Review status: criteria provided, single submitter. Criteria: Invitae Variant Classification Sherloc (09022015). Collection method: clinical testing. Allele origin: germline.
Comment: In summary, the available evidence is currently insufficient to determine the role of this variant in disease. Therefore, it has been classified as a Variant of Uncertain Significance. Algorithms developed to predict the effect of missense changes on protein structure and function output the following: SIFT: "Deleterious"; PolyPhen-2: "Possibly Damaging"; Align-GVGD: "Class C0". The proline amino acid residue is found in multiple mammalian species, suggesting that this missense change does not adversely affect protein function. These predictions have not been confirmed by published functional studies and their clinical significance is uncertain. This variant has not been reported in the literature in individuals with FOXE3-related conditions. The frequency data for this variant in the population databases is considered unreliable, as metrics indicate insufficient coverage at this position in the ExAC database. This sequence change replaces leucine with proline at codon 271 of the FOXE3 protein (p.Leu271Pro). The leucine residue is moderately conserved and there is a moderate physicochemical difference between leucine and proline.

NM_012186.3(FOXE3):c.812T>C (p.Leu271Pro)

Genes: FOXE3 (forkhead box E3; plus strand), LINC01389 (long independently transcribed non-coding RNA 1389; minus strand). Cytogenetic location: 1p33.
Variant type: single nucleotide variant.
Coding change: c.812T>C on transcript NM_012186.3 (MANE Select); coding-DNA position 812, T replaced by C.
Protein change: p.Leu271Pro; replaces leucine 271 with proline.
Molecular consequence: missense variant.
Genome position (GRCh38, 1-based): chr1:47,417,127, T>C. VCF-style: chr1-47417127-T-C. GRCh37 (hg19) VCF-style: chr1-47882799-T-C.
Other names: short protein forms L271P.
Identifiers: ClinVar variation 958656 (VCV000958656.10), dbSNP rs1351111614, ClinGen allele CA340250773.